The following is an entry in ClinVar:

ClinVar aggregate classification (germline): Pathogenic (1 of 4 stars; one submission).

Submission:

Labcorp Genetics (formerly Invitae), Labcorp
Classification: Pathogenic. Last evaluated: 2022-04-09. Review status: criteria provided, single submitter. Criteria: Invitae Variant Classification Sherloc (09022015). Collection method: clinical testing. Allele origin: germline.
Comment: Algorithms developed to predict the effect of sequence changes on RNA splicing suggest that this variant may create or strengthen a splice site. This variant has not been reported in the literature in individuals affected with ERCC3-related conditions. This variant is not present in population databases (gnomAD no frequency). This sequence change creates a premature translational stop signal (p.Gln190*) in the ERCC3 gene. It is expected to result in an absent or disrupted protein product. Loss-of-function variants in ERCC3 are known to be pathogenic (PMID: 16947863). For these reasons, this variant has been classified as Pathogenic.

Literature cited by the submitters: PubMed 16947863.

NM_000122.2(ERCC3):c.568C>T (p.Gln190Ter)

Gene: ERCC3 (ERCC excision repair 3, TFIIH core complex helicase subunit; minus strand). Cytogenetic location: 2q14.3.
Variant type: single nucleotide variant.
Coding change: c.568C>T on transcript NM_000122.2 (MANE Select); coding-DNA position 568, C replaced by T.
Protein change: p.Gln190Ter; replaces glutamine 190 with a stop codon.
Molecular consequence: nonsense.
Genome position (GRCh38, 1-based): chr2:127,289,778, G>A on the plus strand (C>T on the coding strand, the complement: ERCC3 is on the minus strand). VCF-style: chr2-127289778-G-A. GRCh37 (hg19) VCF-style: chr2-128047354-G-A.
Other names: c.376C>T, p.Gln126Ter (NM_001303416.2, NM_001303418.2); short protein forms Q126*, Q190*.
Identifiers: ClinVar variation 2123844 (VCV002123844.4), dbSNP rs2104776740, ClinGen allele CA348391198.